The following is an entry in ClinVar:

NM_058179.4(PSAT1):c.499G>A (p.Asp167Asn)

Gene: PSAT1 (phosphoserine aminotransferase 1; plus strand). Cytogenetic location: 9q21.2.
Variant type: single nucleotide variant.
Coding change: c.499G>A on transcript NM_058179.4 (MANE Select); coding-DNA position 499, G replaced by A.
Protein change: p.Asp167Asn; replaces aspartic acid 167 with asparagine.
Molecular consequence: missense variant.
Genome position (GRCh38, 1-based): chr9:78,306,415, G>A. VCF-style: chr9-78306415-G-A. GRCh37 (hg19) VCF-style: chr9-80921331-G-A.
Other names: c.499G>A, p.Asp167Asn (NM_021154.5); short protein forms D167N.
Identifiers: ClinVar variation 914107 (VCV000914107.11), dbSNP rs767197857, ClinGen allele CA5095642.
Genomic context (GRCh38, chr9:78,306,415, plus strand): 5'-TCCTACGTGTATTATTGCGCAAATGAGACGGTGCATGGTGTGGAGTTTGACTTTATACCC[G>A]ATGTCAAGGGAGCAGTACTGGTTTGTGACATGTCCTCAAACTTCCTGTCCAAGCCAGTGG-3'
Protein context (NP_478059.1, residues 157-177): VHGVEFDFIP[Asp167Asn]VKGAVLVCDM

ClinVar aggregate classification (germline): Uncertain significance. Review status: criteria provided, multiple submitters, no conflicts (2 of 4 stars). 3 submissions from 3 submitters: Uncertain significance (2). 1 of the submissions does not count toward it. Last evaluated 2021-08-24.

Conditions:
PSAT deficiency. Identifiers: Orphanet 284417, MedGen C1970253, MONDO:0012596, OMIM 610992.
Neu-Laxova syndrome 2. Identifiers: Orphanet 2671, Orphanet 583602, MedGen C4015019, MONDO:0014466, OMIM 616038.

Allele frequency attached by ClinVar (database versions not stated): gnomAD 0.00001; TOPMed 0.00002; ExAC 0.00003; gnomAD exomes 0.00003.

Submissions (3):

Labcorp Genetics (formerly Invitae), Labcorp
Classification: Uncertain significance for Neu-Laxova syndrome 2. Last evaluated: 2021-08-24. Review status: criteria provided, single submitter. Criteria: Invitae Variant Classification Sherloc (09022015). Collection method: clinical testing. Allele origin: germline.
Comment: This sequence change replaces aspartic acid with asparagine at codon 167 of the PSAT1 protein (p.Asp167Asn). The aspartic acid residue is moderately conserved and there is a small physicochemical difference between aspartic acid and asparagine. This variant is present in population databases (rs767197857, ExAC 0.03%). This variant has not been reported in the literature in individuals affected with PSAT1-related conditions. ClinVar contains an entry for this variant (Variation ID: 914107). Algorithms developed to predict the effect of missense changes on protein structure and function (SIFT, PolyPhen-2, Align-GVGD) all suggest that this variant is likely to be tolerated. Experimental studies have shown that this missense change does not substantially affect PSAT1 function (PMID: 32077105). In summary, the available evidence is currently insufficient to determine the role of this variant in disease. Therefore, it has been classified as a Variant of Uncertain Significance.

Illumina Laboratory Services, Illumina
Classification: Uncertain significance for PSAT deficiency. Last evaluated: 2018-01-12. Review status: criteria provided, single submitter. Criteria: ICSL Variant Classification Criteria 13 December 2019. Collection method: clinical testing. Allele origin: germline.

Dudley Research Group, Pacific Northwest Research Institute
No classification provided. Review status: no classification provided. Collection method: research, in vivo. Allele origin: unknown, not applicable. Functional consequence: function_uncertain_variant. Not counted in ClinVar's aggregate classification.

Literature cited by the submitters: PubMed 32077105 (cited by Labcorp Genetics (formerly Invitae), Labcorp).